The following is an entry in ClinVar:

ClinVar aggregate classification (germline): Pathogenic (1 of 4 stars; one submission).

Submission:

Labcorp Genetics (formerly Invitae), Labcorp
Classification: Pathogenic. Last evaluated: 2022-12-04. Review status: criteria provided, single submitter. Criteria: Invitae Variant Classification Sherloc (09022015). Collection method: clinical testing. Allele origin: germline.
Comment: For these reasons, this variant has been classified as Pathogenic. Algorithms developed to predict the effect of sequence changes on RNA splicing suggest that this variant may create or strengthen a splice site. This variant has not been reported in the literature in individuals affected with KIF11-related conditions. This variant is not present in population databases (gnomAD no frequency). This sequence change creates a premature translational stop signal (p.Gln894Lysfs*3) in the KIF11 gene. It is expected to result in an absent or disrupted protein product. Loss-of-function variants in KIF11 are known to be pathogenic (PMID: 22284827, 24281367).

Literature cited by the submitters: PubMed 22284827; PubMed 24281367.

NM_004523.4(KIF11):c.2680del (p.Gln894fs)

Gene: KIF11 (kinesin family member 11; plus strand). Cytogenetic location: 10q23.33.
Variant type: Deletion.
Coding change: c.2680del on transcript NM_004523.4 (MANE Select); coding-DNA position 2680, one base deleted (C; older notation c.2680delC).
Protein change: p.Gln894fs; shifts the reading frame from glutamine 894.
Molecular consequence: frameshift variant.
Genome position (GRCh38, 1-based): chr10:92,648,344, C deleted. VCF-style (leftmost placement, unchanged base first): chr10-92648343-AC-A. GRCh37 (hg19) VCF-style: chr10-94408100-AC-A.
Other names: short protein forms Q894fs.
Identifiers: ClinVar variation 2818606 (VCV002818606.3), dbSNP rs2492541011, ClinGen allele CA2739275923.